The following is an entry in ClinVar:

ClinVar aggregate classification (germline): Pathogenic/Likely pathogenic. Review status: criteria provided, multiple submitters, no conflicts (2 of 4 stars). 5 submissions from 5 submitters: Pathogenic (3); Likely pathogenic (1). 1 of the submissions does not count toward it. Last evaluated 2025-12-09.

Conditions:
Familial cancer of breast. Also called: BREAST CANCER, FAMILIAL; Hereditary breast cancer; hereditary breast carcinoma. Identifiers: Orphanet 227535, MedGen C0346153, MONDO:0016419, OMIM 114480. Disease mechanism: loss of function.
Gastric cancer. Also called: Stomach cancer; Malignant tumor of stomach. Identifiers: MedGen C0024623, MeSH D013274, MONDO:0001056, OMIM 613659, HP:0012126.
Hereditary cancer-predisposing syndrome. Also called: Hereditary neoplastic syndrome; Neoplastic Syndromes, Hereditary; Hereditary Cancer Syndrome; Tumor predisposition. Identifiers: Orphanet 140162, MedGen C0027672, MeSH D009386, MONDO:0015356.
Ataxia-telangiectasia syndrome (AT). Also called: LOUIS-BAR SYNDROME; Cerebello-oculocutaneous telangiectasia; Immunodeficiency with ataxia telangiectasia; Ataxia-telangiectasia, complementation group E; Ataxia-telangiectasia, complementation group D; AT, COMPLEMENTATION GROUP C. Identifiers: Orphanet 100, MedGen C0004135, MONDO:0008840, OMIM 208900.

Allele frequency attached by ClinVar (database versions not stated): gnomAD exomes below 0.00001; gnomAD 0.00001; 1000 Genomes Project 0.00020; 1000 Genomes Project 30x 0.00031.
gnomAD v4.1: 1 of 1,613,936 alleles (0.000062%); highest among the groups gnomAD compares: East Asian, 0.0022%; no homozygotes.

Submissions (5):

Ambry Genetics
Classification: Likely pathogenic for Hereditary cancer-predisposing syndrome. Last evaluated: 2025-12-09. Review status: criteria provided, single submitter. Criteria: Ambry Variant Classification Scheme 2023. Collection method: clinical testing. Allele origin: germline.
Comment: The c.3077+1G>T intronic variant results from a G to T substitution one nucleotide after coding exon 19 of the ATM gene. This variant has been identified in conjunction with other ATM variant(s) in individual(s) with features consistent with ataxia telangiectasia (Rawat A et al. Sci Rep, 2022 Mar;12:4036). This nucleotide position is highly conserved in available vertebrate species. Alterations that disrupt the canonical splice site are expected to cause aberrant splicing, resulting in an abnormal protein or a transcript that is subject to nonsense-mediated mRNA decay. In silico splice site analysis predicts that this alteration will weaken the native splice donor site and will result in the creation or strengthening of a novel splice donor site. RNA studies have demonstrated that this alteration results in abnormal splicing in the set of samples tested (Ambry internal data). As such, this alteration is classified as likely pathogenic.

Labcorp Genetics (formerly Invitae), Labcorp
Classification: Pathogenic for Ataxia-telangiectasia syndrome. Last evaluated: 2025-06-15. Review status: criteria provided, single submitter. Criteria: Invitae Variant Classification Sherloc (09022015). Collection method: clinical testing. Allele origin: germline.
Comment: This sequence change affects a donor splice site in intron 20 of the ATM gene. RNA analysis indicates that disruption of this splice site induces altered splicing and may result in an absent or altered protein product. This variant is present in population databases (rs192810283, gnomAD 0.006%). Disruption of this splice site has been observed in individual(s) with ataxia-telangiectasia, breast cancer, and/or prostate cancer (PMID: 32853339, 35220195, 35260754). ClinVar contains an entry for this variant (Variation ID: 936903). Studies have shown that disruption of this splice site results in activation of a cryptic splice site, and produces a non-functional protein and/or introduces a premature termination codon (internal data). For these reasons, this variant has been classified as Pathogenic.

Color Diagnostics, LLC DBA Color Health
Classification: Pathogenic for Hereditary cancer-predisposing syndrome. Last evaluated: 2025-01-28. Review status: criteria provided, single submitter. Criteria: ACMG Guidelines, 2015. Collection method: clinical testing. Allele origin: germline.
Comment: This variant causes a G>T nucleotide substitution at the +1 position of intron 20 of the ATM gene. Splice site prediction tools suggest that this variant may have a significant impact on RNA splicing. This variant is likely to disrupt the native splice site and activate a cryptic splice site. Use of this cryptic splice site would introduce a premature termination codon and is expected to cause nonsense-mediated decay. This variant has been reported to impact RNA splicing by external laboratories (ClinVar Accession: SCV001377084.5, SCV002606803.2). This variant has been observed in an individual affected with breast cancer (PMID: 35220195). This variant has also been observed in the compound heterozygous state in an individual affected with autosomal recessive ataxia-telangiectasia (PMID: 35729272), indicating that this variant contributes to disease. This variant has been identified in 1/250488 chromosomes in the general population by the Genome Aggregation Database (gnomAD). Loss of ATM function is a known mechanism of disease. Based on the available evidence, this variant is classified as Pathogenic.

Baylor Genetics
Classification: Pathogenic for Familial cancer of breast. Last evaluated: 2022-08-10. Review status: criteria provided, single submitter. Criteria: ACMG Guidelines, 2015. Collection method: clinical testing. Allele origin: unknown.

Laboratory for Genotyping Development, RIKEN
Classification: Pathogenic for Gastric cancer. Last evaluated: 2021-07-01. Review status: no assertion criteria provided. Collection method: research. Allele origin: germline. Not counted in ClinVar's aggregate classification.

Literature cited by the submitters: PubMed 35260754 (cited by Ambry Genetics and Labcorp Genetics (formerly Invitae), Labcorp); PubMed 32853339 (cited by Labcorp Genetics (formerly Invitae), Labcorp); PubMed 35220195 (cited by Labcorp Genetics (formerly Invitae), Labcorp and Color Diagnostics, LLC DBA Color Health); PubMed 35729272 (cited by Color Diagnostics, LLC DBA Color Health); PubMed 36988593 (cited by Laboratory for Genotyping Development, RIKEN).

NM_000051.4(ATM):c.3077+1G>T

Gene: ATM (ATM serine/threonine kinase; plus strand). Cytogenetic location: 11q22.3.
Variant type: single nucleotide variant.
Coding change: c.3077+1G>T on transcript NM_000051.4 (MANE Select); the canonical splice donor site of the intron after coding-DNA position 3077, G replaced by T.
Molecular consequence: splice donor variant.
Genome position (GRCh38, 1-based): chr11:108,271,407, G>T. VCF-style: chr11-108271407-G-T. GRCh37 (hg19) VCF-style: chr11-108142134-G-T.
Other names: c.3077+1G>T (NM_001351834.2).
Identifiers: ClinVar variation 936903 (VCV000936903.29), dbSNP rs192810283, ClinGen allele CA6265178.